The following is an entry in ClinVar:

NM_022089.4(ATP13A2):c.2979_2993del (p.Gly994_Ser998del)

Gene: ATP13A2 (ATPase cation transporting 13A2; minus strand). Cytogenetic location: 1p36.13.
Variant type: Deletion.
Coding change: c.2979_2993del on transcript NM_022089.4 (MANE Select); coding-DNA positions 2979 to 2993, 15 bases deleted (GGGGGCGCTGCTCAG).
Protein change: p.Gly994_Ser998del.
Molecular consequence: inframe deletion.
Genome position (GRCh38, 1-based): chr1:16,987,136-16,987,150, CTGAGCAGCGCCCCC deleted on the plus strand (GGGGGCGCTGCTCAG on the coding strand, the reverse complement: ATP13A2 is on the minus strand). VCF-style (leftmost placement, unchanged base first): chr1-16987135-GCTGAGCAGCGCCCCC-G. GRCh37 (hg19) VCF-style: chr1-17313630-GCTGAGCAGCGCCCCC-G.
Other names: c.2964_2978del, p.Gly989_Ser993del (NM_001141973.3); c.2847_2861del, p.Gly950_Ser954del (NM_001141974.3).
Identifiers: ClinVar variation 2294473 (VCV002294473.2), dbSNP rs2522804395, ClinGen allele CA2580060640.
Genomic context (GRCh38, chr1:16,987,135, plus strand): 5'-CCCTAGCTGCACGCCGGTCACCAGGACCATCTGCAGCAGCAGGCTGCTGAGCACGGGCAC[GCTGAGCAGCGCCCCC>G]GGTGGCCGCACCCGTCCCAGGACCAGCGCTGGCCCCGTGCGGCTCATGAGCACTGCCACT-3'

ClinVar aggregate classification (germline): Uncertain significance (1 of 4 stars; one submission).

Conditions:
Inborn genetic diseases. Identifiers: MedGen C0950123, MeSH D030342.

Submission:

Ambry Genetics
Classification: Uncertain significance for Inborn genetic diseases. Last evaluated: 2022-06-15. Review status: criteria provided, single submitter. Criteria: Ambry Variant Classification Scheme 2023. Collection method: clinical testing. Allele origin: germline.
Comment: The c.2979_2993del15 (p.G994_S998del) alteration is located in exon 26 (coding exon 26) of the ATP13A2 gene. This alteration consists of an in-frame deletion of 15 nucleotides between nucleotide positions c.2979 and c.2993, resulting in the deletion of <NA> residues. Based on insufficient or conflicting evidence, the clinical significance of this alteration remains unclear.